The following is an entry in ClinVar:

NM_001291303.3(FAT4):c.1793C>A (p.Thr598Lys)

Gene: FAT4 (FAT atypical cadherin 4; plus strand). Cytogenetic location: 4q28.1.
Variant type: single nucleotide variant.
Coding change: c.1793C>A on transcript NM_001291303.3 (MANE Select); coding-DNA position 1793, C replaced by A.
Protein change: p.Thr598Lys; replaces threonine 598 with lysine.
Molecular consequence: missense variant.
Genome position (GRCh38, 1-based): chr4:125,318,204, C>A. VCF-style: chr4-125318204-C-A. GRCh37 (hg19) VCF-style: chr4-126239359-C-A.
Other names: c.1793C>A, p.Thr598Lys (NM_001291285.3, NM_024582.6); short protein forms T598K.
Identifiers: ClinVar variation 1932657 (VCV001932657.5), dbSNP rs1345879255, ClinGen allele CA358118656.
Genomic context (GRCh38, chr4:125,318,204, plus strand): 5'-AAAAGCCAGTATTTAGCCAGCCAGAAGGGTATGATGTGTCTGTGGTTGAGAATGCCCCAA[C>A]AGGGACAGAACTGTTGATGCTCAGGGCAACTGACGGGGACCTGGGTGACAACGGAACAGT-3'
Protein context (NP_001278232.1, residues 588-608): YDVSVVENAP[Thr598Lys]GTELLMLRAT

ClinVar aggregate classification (germline): Uncertain significance (1 of 4 stars; one submission).

gnomAD v4.1: 3 of 1,614,224 alleles (0.00019%); highest among the groups gnomAD compares: South Asian, 0.0022%; no homozygotes.

Submission:

Labcorp Genetics (formerly Invitae), Labcorp
Classification: Uncertain significance. Last evaluated: 2022-02-22. Review status: criteria provided, single submitter. Criteria: Invitae Variant Classification Sherloc (09022015). Collection method: clinical testing. Allele origin: germline.
Comment: Advanced modeling of protein sequence and biophysical properties (such as structural, functional, and spatial information, amino acid conservation, physicochemical variation, residue mobility, and thermodynamic stability) performed at Invitae indicates that this missense variant is not expected to disrupt FAT4 protein function. In summary, the available evidence is currently insufficient to determine the role of this variant in disease. Therefore, it has been classified as a Variant of Uncertain Significance. This variant has not been reported in the literature in individuals affected with FAT4-related conditions. This variant is present in population databases (no rsID available, gnomAD 0.003%). This sequence change replaces threonine, which is neutral and polar, with lysine, which is basic and polar, at codon 598 of the FAT4 protein (p.Thr598Lys).